The following is an entry in ClinVar:

ClinVar aggregate classification (germline): Uncertain significance (1 of 4 stars; one submission).

Submission:

Ambry Genetics
Classification: Uncertain significance. Last evaluated: 2024-05-28. Review status: criteria provided, single submitter. Criteria: Ambry Variant Classification Scheme 2023. Collection method: clinical testing. Allele origin: germline.
Comment: The p.Q816K variant (also known as c.2446C>A), located in coding exon 13 of the PALLD gene, results from a C to A substitution at nucleotide position 2446. The glutamine at codon 816 is replaced by lysine, an amino acid with similar properties. This amino acid position is conserved. In addition, the in silico prediction for this alteration is inconclusive. Based on the available evidence, the clinical significance of this variant remains unclear.

NM_001166108.2(PALLD):c.2497C>A (p.Gln833Lys)

Genes: CBR4 (carbonyl reductase 4; minus strand), PALLD (palladin, cytoskeletal associated protein; plus strand). Cytogenetic location: 4q32.3.
Variant type: single nucleotide variant.
Coding change: c.2497C>A on transcript NM_001166108.2 (MANE Select); coding-DNA position 2497, C replaced by A.
Protein change: p.Gln833Lys; replaces glutamine 833 with lysine.
Molecular consequence: missense variant.
Genome position (GRCh38, 1-based): chr4:168,903,781, C>A. VCF-style: chr4-168903781-C-A. GRCh37 (hg19) VCF-style: chr4-169824932-C-A.
Other names: c.1300C>A, p.Gln434Lys (NM_001166109.2); c.985C>A, p.Gln329Lys (NM_001166110.2); c.325C>A, p.Gln109Lys (NM_001367567.1, NM_001367569.1); c.376C>A, p.Gln126Lys (NM_001367568.1, NM_001367570.1); c.2446C>A, p.Gln816Lys (NM_016081.4); short protein forms Q126K, Q109K, Q329K, Q833K, Q434K, Q816K.
Identifiers: ClinVar variation 3304104 (VCV003304104.1).
Genomic context (GRCh38, chr4:168,903,781, plus strand): 5'-AAACTCCTAATCTTTAATCTTTGTTTCTATTCACAGATCTATTGGTTTAAAGATGGGAAG[C>A]AGATCTCTCCAAAGAGTGATCACTACACCATTCAAAGAGATCTCGATGGGACCTGCTCCC-3'
Protein context (NP_001159580.1, residues 823-843): PKIYWFKDGK[Gln833Lys]ISPKSDHYTI